The following is an entry in ClinVar:

ClinVar aggregate classification (germline): Conflicting classifications of pathogenicity. Review status: criteria provided, conflicting classifications (1 of 4 stars). 5 submissions from 5 submitters: Uncertain significance (4); Likely benign (1). Last evaluated 2025-10-26.

Conditions:
Myofibrillar myopathy 5. Also called: Filaminopathy (type); FILAMINOPATHY, AUTOSOMAL DOMINANT. Identifiers: Orphanet 171445, MedGen C1836050, MONDO:0012289, OMIM 609524.
Distal myopathy with posterior leg and anterior hand involvement. Also called: WILLIAMS DISTAL MYOPATHY. Identifiers: Orphanet 63273, MedGen C3279722, MONDO:0013550, OMIM 614065.
Hypertrophic cardiomyopathy 26. Also called: Cardiomyopathy, familial hypertrophic, 26. Identifiers: Orphanet 75249, MedGen C4310749, MONDO:0014883, OMIM 617047.
Cardiovascular phenotype. Identifiers: MedGen CN230736.

Allele frequency attached by ClinVar (database versions not stated): gnomAD exomes 0.00001; TOPMed 0.00002; gnomAD 0.00003.
gnomAD v4.1: 12 of 1,611,878 alleles (0.00074%); highest among the groups gnomAD compares: African/African-American, 0.0027%; no homozygotes.

Submissions (5):

Labcorp Genetics (formerly Invitae), Labcorp
Classification: Likely benign for Distal myopathy with posterior leg and anterior hand involvement; Myofibrillar myopathy 5; Hypertrophic cardiomyopathy 26. Last evaluated: 2025-10-26. Review status: criteria provided, single submitter. Criteria: Invitae Variant Classification Sherloc (09022015). Collection method: clinical testing. Allele origin: germline.

Ambry Genetics
Classification: Uncertain significance for Cardiovascular phenotype. Last evaluated: 2024-11-10. Review status: criteria provided, single submitter. Criteria: Ambry Variant Classification Scheme 2023. Collection method: clinical testing. Allele origin: germline.
Comment: The p.S1637R variant (also known as c.4911C>G), located in coding exon 28 of the FLNC gene, results from a C to G substitution at nucleotide position 4911. The serine at codon 1637 is replaced by arginine, an amino acid with dissimilar properties. This amino acid position is conserved. In addition, this alteration is predicted to be deleterious by in silico analysis. Based on the available evidence, the clinical significance of this variant remains unclear.

GeneDx
Classification: Uncertain significance. Last evaluated: 2023-12-12. Review status: criteria provided, single submitter. Criteria: GeneDx Variant Classification Process June 2021. Collection method: clinical testing. Allele origin: germline. Affected: yes.
Comment: Has not been previously published as pathogenic or benign to our knowledge; In silico analysis supports that this missense variant has a deleterious effect on protein structure/function

Fulgent Genetics
Classification: Uncertain significance for Myofibrillar myopathy 5; Distal myopathy with posterior leg and anterior hand involvement; Hypertrophic cardiomyopathy 26. Last evaluated: 2021-08-19. Review status: criteria provided, single submitter. Criteria: ACMG Guidelines, 2015. Collection method: clinical testing. Allele origin: unknown.

Revvity Omics, Revvity
Classification: Uncertain significance. Last evaluated: 2021-02-16. Review status: criteria provided, single submitter. Criteria: ACMG Guidelines, 2015. Collection method: clinical testing. Allele origin: germline.

NM_001458.5(FLNC):c.4911C>G (p.Ser1637Arg)

Gene: FLNC (filamin C; plus strand). Cytogenetic location: 7q32.1.
Variant type: single nucleotide variant.
Coding change: c.4911C>G on transcript NM_001458.5 (MANE Select); coding-DNA position 4911, C replaced by G.
Protein change: p.Ser1637Arg; replaces serine 1637 with arginine.
Molecular consequence: missense variant.
Genome position (GRCh38, 1-based): chr7:128,848,966, C>G. VCF-style: chr7-128848966-C-G. GRCh37 (hg19) VCF-style: chr7-128489020-C-G.
Other names: c.4911C>G, p.Ser1637Arg (NM_001127487.2); short protein forms S1637R.
Identifiers: ClinVar variation 970691 (VCV000970691.21), dbSNP rs1469272964, ClinGen allele CA369203599.